The following is an entry in ClinVar:

ClinVar aggregate classification (germline): Uncertain significance (1 of 4 stars; one submission).

Allele frequency attached by ClinVar (database versions not stated): gnomAD exomes below 0.00001.
gnomAD v4.1: 1 of 1,613,140 alleles (0.000062%); highest among the groups gnomAD compares: Non-Finnish European, 0.000085%; no homozygotes.

Submission:

Ambry Genetics
Classification: Uncertain significance. Last evaluated: 2021-12-18. Review status: criteria provided, single submitter. Criteria: Ambry Variant Classification Scheme 2023. Collection method: clinical testing. Allele origin: germline.
Comment: The p.S27L variant (also known as c.80C>T), located in coding exon 1 of the ALPK2 gene, results from a C to T substitution at nucleotide position 80. The serine at codon 27 is replaced by leucine, an amino acid with dissimilar properties. This amino acid position is conserved. In addition, this alteration is predicted to be tolerated by in silico analysis. Since supporting evidence is limited at this time, the clinical significance of this alteration remains unclear.

NM_052947.4(ALPK2):c.80C>T (p.Ser27Leu)

Gene: ALPK2 (alpha kinase 2; minus strand). Cytogenetic location: 18q21.32.
Variant type: single nucleotide variant.
Coding change: c.80C>T on transcript NM_052947.4 (MANE Select); coding-DNA position 80, C replaced by T.
Protein change: p.Ser27Leu; replaces serine 27 with leucine.
Molecular consequence: missense variant.
Genome position (GRCh38, 1-based): chr18:58,611,718, G>A on the plus strand (C>T on the coding strand, the complement: ALPK2 is on the minus strand). VCF-style: chr18-58611718-G-A. GRCh37 (hg19) VCF-style: chr18-56278950-G-A.
Other names: short protein forms S27L.
Identifiers: ClinVar variation 1761993 (VCV001761993.2), dbSNP rs2518915278, ClinGen allele CA402557943.
Genomic context (GRCh38, chr18:58,611,718, plus strand): 5'-GAGGGTGATTAGCTAGTCTAGTGATGGTTACCAGATATTATGCAGCGAAGCACAGCGTCT[G>A]ACTTCTCAGGAACCTTCTGGGAAAGCAATGTAGATAAAAAACACAGCGGGGGCCTCTGGG-3'
Protein context (NP_443179.3, residues 17-37): TLLSQKVPEK[Ser27Leu]DAVLRCIISG